The following is an entry in ClinVar:

ClinVar aggregate classification (germline): Benign (0 of 4 stars; one submission).

Conditions:
BRPF1-related disorder. Also called: BRPF1-related condition.

Allele frequency attached by ClinVar (database versions not stated): 1000 Genomes Project 30x 0.00468; 1000 Genomes Project 0.00479; TOPMed 0.00885; ESP Exome Variant Server 0.01292.
gnomAD v4.1: 23,848 of 1,607,110 alleles (1.5%); highest among the groups gnomAD compares: Non-Finnish European, 1.8%; 225 homozygotes.

Submission:

PreventionGenetics, part of Exact Sciences
Classification: Benign for BRPF1-related condition. Last evaluated: 2019-09-24. Review status: no assertion criteria provided. Collection method: clinical testing. Allele origin: germline.
Comment: This variant is classified as benign based on ACMG/AMP sequence variant interpretation guidelines (Richards et al. 2015 PMID: 25741868, with internal and published modifications).

NM_001003694.2(BRPF1):c.1812C>T (p.Leu604=)

Gene: BRPF1 (bromodomain and PHD finger containing 1; plus strand). Cytogenetic location: 3p25.3.
Variant type: single nucleotide variant.
Coding change: c.1812C>T on transcript NM_001003694.2 (MANE Select); coding-DNA position 1812, C replaced by T.
Protein change: p.Leu604=; no amino-acid change (leucine 604 retained).
Molecular consequence: synonymous variant. On other transcripts: non-coding transcript variant (1).
Genome position (GRCh38, 1-based): chr3:9,741,397, C>T. VCF-style: chr3-9741397-C-T. GRCh37 (hg19) VCF-style: chr3-9783081-C-T.
Other names: c.1812C>T, p.Leu604= (NM_001319049.2, NM_001319050.2, NM_001410704.1 and 1 more transcripts).
Identifiers: ClinVar variation 3056900 (VCV003056900.2), dbSNP rs73021442, ClinGen allele CA2241948.